The following is an entry in ClinVar:

NM_015331.3(NCSTN):c.497C>T (p.Ser166Leu)

Gene: NCSTN (nicastrin; plus strand). Cytogenetic location: 1q23.2.
Variant type: single nucleotide variant.
Coding change: c.497C>T on transcript NM_015331.3 (MANE Select); coding-DNA position 497, C replaced by T.
Protein change: p.Ser166Leu; replaces serine 166 with leucine.
Molecular consequence: missense variant.
Genome position (GRCh38, 1-based): chr1:160,350,165, C>T. VCF-style: chr1-160350165-C-T. GRCh37 (hg19) VCF-style: chr1-160319955-C-T.
Other names: c.437C>T, p.Ser146Leu (NM_001290184.2); c.497C>T, p.Ser166Leu (NM_001290186.2, NM_001349729.2); short protein forms S146L, S166L.
Identifiers: ClinVar variation 3021416 (VCV003021416.3), dbSNP rs201886198, ClinGen allele CA1198737.
Genomic context (GRCh38, chr1:160,350,165, plus strand): 5'-GTGTTTACTCCAATTCCTATGGGCCAGAGTTTGCTCACTGCAGAGAAATACAGTGGAATT[C>T]GCTGGGCAATGGTTTGGCTTATGAAGACTTTAGTTTCCCCATCTTTCTTCTTGAAGATGA-3'
Protein context (NP_056146.1, residues 156-176): FAHCREIQWN[Ser166Leu]LGNGLAYEDF

ClinVar aggregate classification (germline): Uncertain significance (1 of 4 stars; one submission).

Allele frequency attached by ClinVar (database versions not stated): gnomAD 0.00001; gnomAD exomes 0.00002; TOPMed 0.00003; ExAC 0.00002.
gnomAD v4.1: 26 of 1,613,888 alleles (0.0016%); highest among the groups gnomAD compares: Admixed American, 0.013%; no homozygotes.

Submission:

Labcorp Genetics (formerly Invitae), Labcorp
Classification: Uncertain significance. Last evaluated: 2025-11-08. Review status: criteria provided, single submitter. Criteria: Invitae Variant Classification Sherloc (09022015). Collection method: clinical testing. Allele origin: germline.
Comment: This sequence change replaces serine, which is neutral and polar, with leucine, which is neutral and non-polar, at codon 166 of the NCSTN protein (p.Ser166Leu). This variant is present in population databases (rs201886198, gnomAD 0.02%). This variant has not been reported in the literature in individuals affected with NCSTN-related conditions. ClinVar contains an entry for this variant (Variation ID: 3021416). Invitae Evidence Modeling of protein sequence and biophysical properties (such as structural, functional, and spatial information, amino acid conservation, physicochemical variation, residue mobility, and thermodynamic stability) indicates that this missense variant is not expected to disrupt NCSTN protein function with a negative predictive value of 80%. In summary, the available evidence is currently insufficient to determine the role of this variant in disease. Therefore, it has been classified as a Variant of Uncertain Significance.